The following is an entry in ClinVar:

NM_032043.3(BRIP1):c.2905+6A>T

Gene: BRIP1 (BRCA1 interacting DNA helicase 1; minus strand). Cytogenetic location: 17q23.2.
Variant type: single nucleotide variant.
Coding change: c.2905+6A>T on transcript NM_032043.3 (MANE Select); 6 bases into the intron after coding-DNA position 2905, A replaced by T.
Molecular consequence: intron variant.
Genome position (GRCh38, 1-based): chr17:61,685,830, T>A on the plus strand (A>T on the coding strand, the complement: BRIP1 is on the minus strand). VCF-style: chr17-61685830-T-A. GRCh37 (hg19) VCF-style: chr17-59763191-T-A.
Identifiers: ClinVar variation 3378808 (VCV003378808.1).

ClinVar aggregate classification (germline): Likely benign (1 of 4 stars; one submission).

Conditions:
Familial cancer of breast. Also called: hereditary breast carcinoma; Hereditary breast cancer; BREAST CANCER, FAMILIAL. Identifiers: Orphanet 227535, MedGen C0346153, MONDO:0016419, OMIM 114480. Disease mechanism: loss of function.

gnomAD v4.1: 2 of 1,600,622 alleles (0.00012%); highest among the groups gnomAD compares: South Asian, 0.0022%; no homozygotes.

Submission:

Myriad Genetics, Inc.
Classification: Likely benign for Familial cancer of breast. Last evaluated: 2024-09-09. Review status: criteria provided, single submitter. Criteria: Myriad Autosomal Dominant, Autosomal Recessive and X-Linked Classification Criteria (2023). Collection method: clinical testing. Allele origin: unknown.
Comment: This variant is considered likely benign. This variant is intronic and is not expected to impact mRNA splicing.